The following is an entry in ClinVar:

NM_001160372.4(TRAPPC9):c.2794G>A (p.Ala932Thr)

Gene: TRAPPC9 (trafficking protein particle complex subunit 9; minus strand). Cytogenetic location: 8q24.3.
Variant type: single nucleotide variant.
Coding change: c.2794G>A on transcript NM_001160372.4 (MANE Select); coding-DNA position 2794, G replaced by A.
Protein change: p.Ala932Thr; replaces alanine 932 with threonine.
Molecular consequence: missense variant. On other transcripts: non-coding transcript variant (1), intron variant (1).
Genome position (GRCh38, 1-based): chr8:139,988,742, C>T on the plus strand (G>A on the coding strand, the complement: TRAPPC9 is on the minus strand). VCF-style: chr8-139988742-C-T. GRCh37 (hg19) VCF-style: chr8-140998950-C-T.
Other names: c.2794G>A, p.Ala932Thr (NM_031466.8); c.2699+35195G>A (NM_001374683.1); c.3088G>A (NM_031466.7); c.2767G>A, p.Ala923Thr (NM_001321646.2); c.2815G>A, p.Ala939Thr (NM_001374682.1); c.2650G>A, p.Ala884Thr (NM_001374684.1); short protein forms A932T, A923T, A884T, A939T.
Identifiers: ClinVar variation 252754 (VCV000252754.7), dbSNP rs148909256, ClinGen allele CA4892982.

ClinVar aggregate classification (germline): Conflicting classifications of pathogenicity. Review status: criteria provided, conflicting classifications (1 of 4 stars). 4 submissions from 4 submitters: Uncertain significance (3); Likely benign (1). Last evaluated 2026-03-31.

Conditions:
TRAPPC9-related disorder. Also called: TRAPPC9-related condition.
Inborn genetic diseases. Identifiers: MedGen C0950123, MeSH D030342.

Allele frequency attached by ClinVar (database versions not stated): gnomAD exomes 0.00006 and 0.00017; ExAC 0.00020; gnomAD 0.00057 and 0.00058; ESP Exome Variant Server 0.00062; TOPMed 0.00079; 1000 Genomes Project 0.00120; 1000 Genomes Project 30x 0.00141.
gnomAD v4.1: 180 of 1,550,186 alleles (0.012%); highest among the groups gnomAD compares: African/African-American, 0.17%; no homozygotes.

Submissions (4):

PreventionGenetics, part of Exact Sciences
Classification: Likely benign for TRAPPC9-related condition. Last evaluated: 2026-03-31. Review status: criteria provided, single submitter. Criteria: ACMG Guidelines, 2015. Collection method: clinical testing. Allele origin: germline.
Comment: This variant is classified as likely benign based on ACMG/AMP sequence variant interpretation guidelines (Richards et al. 2015 PMID: 25741868, with internal and published modifications).

Labcorp Genetics (formerly Invitae), Labcorp
Classification: Uncertain significance. Last evaluated: 2022-08-08. Review status: criteria provided, single submitter. Criteria: Invitae Variant Classification Sherloc (09022015). Collection method: clinical testing. Allele origin: germline.
Comment: This sequence change replaces alanine, which is neutral and non-polar, with threonine, which is neutral and polar, at codon 1030 of the TRAPPC9 protein (p.Ala1030Thr). This variant is present in population databases (rs148909256, gnomAD 0.2%). This variant has not been reported in the literature in individuals affected with TRAPPC9-related conditions. ClinVar contains an entry for this variant (Variation ID: 252754). Algorithms developed to predict the effect of missense changes on protein structure and function are either unavailable or do not agree on the potential impact of this missense change (SIFT: "Not Available"; PolyPhen-2: "Benign"; Align-GVGD: "Not Available"). In summary, the available evidence is currently insufficient to determine the role of this variant in disease. Therefore, it has been classified as a Variant of Uncertain Significance.

Ambry Genetics
Classification: Uncertain significance for Inborn genetic diseases. Last evaluated: 2018-12-24. Review status: criteria provided, single submitter. Criteria: Ambry Variant Classification Scheme 2023. Collection method: clinical testing. Allele origin: germline.
Comment: The p.A1030T variant (also known as c.3088G>A), located in coding exon 19 of the TRAPPC9 gene, results from a G to A substitution at nucleotide position 3088. The alanine at codon 1030 is replaced by threonine, an amino acid with similar properties. This amino acid position is highly conserved in available vertebrate species. In addition, the in silico prediction for this alteration is inconclusive. Since supporting evidence is limited at this time, the clinical significance of this alteration remains unclear.

Genomic Diagnostic Laboratory, Division of Genomic Diagnostics, Children's Hospital of Philadelphia
Classification: Uncertain significance. Last evaluated: 2015-11-26. Review status: criteria provided, single submitter. Criteria: DGD Variant Analysis Guidelines. Collection method: clinical testing. Allele origin: unknown.